The following is an entry in ClinVar:

NM_025152.3(NUBPL):c.291+13196C>A

Gene: NUBPL (NUBP iron-sulfur cluster assembly factor, mitochondrial; plus strand). Cytogenetic location: 14q12.
Variant type: single nucleotide variant.
Coding change: c.291+13196C>A on transcript NM_025152.3 (MANE Select); 13196 bases into the intron after coding-DNA position 291, C replaced by A.
Molecular consequence: intron variant.
Genome position (GRCh38, 1-based): chr14:31,578,244, C>A. VCF-style: chr14-31578244-C-A. GRCh37 (hg19) VCF-style: chr14-32047450-C-A.
Other names: c.3+219C>A (NM_001201573.2).
Identifiers: ClinVar variation 683212 (VCV000683212.1), dbSNP rs4981104, ClinGen allele CA258990123.

ClinVar aggregate classification (germline): Benign (1 of 4 stars; one submission).

Allele frequency attached by ClinVar (database versions not stated): TOPMed 0.99504; gnomAD 0.99525 and 0.99559; 1000 Genomes Project 0.99581; 1000 Genomes Project 30x 0.99610.
gnomAD v4.1: 151,678 of 152,342 alleles (100%); highest among the groups gnomAD compares: Middle Eastern, 100%; 75,512 homozygotes.

Submission:

GeneDx
Classification: Benign. Last evaluated: 2018-06-14. Review status: criteria provided, single submitter. Criteria: GeneDx Variant Classification (06012015). Collection method: clinical testing. Allele origin: germline. Affected: yes.
Comment: This variant is considered likely benign or benign based on one or more of the following criteria: it is a conservative change, it occurs at a poorly conserved position in the protein, it is predicted to be benign by multiple in silico algorithms, and/or has population frequency not consistent with disease.